The following is an entry in ClinVar:

NM_014324.6(AMACR):c.429G>A (p.Pro143=)

Genes: AMACR (alpha-methylacyl-CoA racemase; minus strand), C1QTNF3-AMACR (C1QTNF3-AMACR readthrough (NMD candidate); minus strand). Cytogenetic location: 5p13.2.
Variant type: single nucleotide variant.
Coding change: c.429G>A on transcript NM_014324.6 (MANE Select); coding-DNA position 429, G replaced by A.
Protein change: p.Pro143=; no amino-acid change (proline 143 retained).
Molecular consequence: synonymous variant. On other transcripts: intron variant (1).
Genome position (GRCh38, 1-based): chr5:34,004,697, C>T on the plus strand (G>A on the coding strand, the complement: AMACR is on the minus strand). VCF-style: chr5-34004697-C-T. GRCh37 (hg19) VCF-style: chr5-34004802-C-T.
Other names: c.429G>A, p.Pro143= (NM_001167595.2); c.391+1059G>A (NM_203382.3); c.429G>A (NM_014324.5).
Identifiers: ClinVar variation 595976 (VCV000595976.15), dbSNP rs368427062, ClinGen allele CA3226203.

ClinVar aggregate classification (germline): Conflicting classifications of pathogenicity. Review status: criteria provided, conflicting classifications (1 of 4 stars). 4 submissions from 4 submitters: Uncertain significance (1); Likely benign (2). 1 of the submissions does not count toward it. Last evaluated 2025-12-28.

Conditions:
Alpha-methylacyl-CoA racemase deficiency (AMACRD). Also called: AMACR deficiency. Identifiers: Orphanet 79095, MedGen C3280428, MONDO:0013681, OMIM 614307. Disease mechanism: loss of function.
AMACR-related disorder. Also called: AMACR-Related Disorders; AMACR-related condition.

Allele frequency attached by ClinVar (database versions not stated): TOPMed 0.00003; gnomAD 0.00006; ESP Exome Variant Server 0.00008.
gnomAD v4.1: 47 of 1,614,058 alleles (0.0029%); highest among the groups gnomAD compares: South Asian, 0.0044%; no homozygotes.

Submissions (4):

Labcorp Genetics (formerly Invitae), Labcorp
Classification: Likely benign for Alpha-methylacyl-CoA racemase deficiency. Last evaluated: 2025-12-28. Review status: criteria provided, single submitter. Criteria: Invitae Variant Classification Sherloc (09022015). Collection method: clinical testing. Allele origin: germline.

Blueprint Genetics
Classification: Likely benign. Last evaluated: 2020-07-01. Review status: criteria provided, single submitter. Criteria: ACMG Guidelines, 2015. Collection method: clinical testing. Allele origin: germline.

Eurofins Ntd Llc (ga)
Classification: Uncertain significance. Last evaluated: 2018-02-06. Review status: criteria provided, single submitter. Criteria: EGL Classification Definitions 2015. Collection method: clinical testing. Allele origin: germline. Observed: 1 variant allele, 1 heterozygote.

PreventionGenetics, part of Exact Sciences
Classification: Likely benign for AMACR-related condition. Last evaluated: 2023-07-19. Review status: no assertion criteria provided. Collection method: clinical testing. Allele origin: germline. Not counted in ClinVar's aggregate classification.
Comment: This variant is classified as likely benign based on ACMG/AMP sequence variant interpretation guidelines (Richards et al. 2015 PMID: 25741868, with internal and published modifications).